The following is an entry in ClinVar:

NM_001267550.2(TTN):c.47674_47680dup (p.Tyr15894fs)

Genes: TTN-AS1 (TTN antisense RNA 1; plus strand), TTN (titin; minus strand). Cytogenetic location: 2q31.2.
Variant type: Duplication.
Coding change: c.47674_47680dup on transcript NM_001267550.2 (MANE Select); coding-DNA positions 47674 to 47680, 7 bases duplicated (TTAGGCT; older notation c.47674_47680dupTTAGGCT).
Protein change: p.Tyr15894fs; shifts the reading frame from tyrosine 15894.
Molecular consequence: frameshift variant.
Genome position (GRCh38, 1-based): chr2:178,617,405-178,617,411, AGCCTAA duplicated on the plus strand (TTAGGCT on the coding strand, the reverse complement: TTN is on the minus strand). VCF-style (leftmost placement, unchanged base first): chr2-178617404-T-TAGCCTAA. GRCh37 (hg19) VCF-style: chr2-179482131-T-TAGCCTAA.
Other names: c.42751_42757dup, p.Tyr14253fs (NM_001256850.1); c.20479_20485dup, p.Tyr6829fs (NM_003319.4); c.39970_39976dup, p.Tyr13326fs (NM_133378.4); c.20854_20860dup, p.Tyr6954fs (NM_133432.3); c.21055_21061dup, p.Tyr7021fs (NM_133437.4); short protein forms Y13326fs, Y14253fs, Y7021fs, Y15894fs, Y6829fs, Y6954fs.
Identifiers: ClinVar variation 2946353 (VCV002946353.3), dbSNP rs2470850119, ClinGen allele CA2740096167.

ClinVar aggregate classification (germline): Likely pathogenic (1 of 4 stars; one submission).

Conditions:
Dilated cardiomyopathy 1G (CMD1G). Identifiers: Orphanet 154, MedGen C1858763, MONDO:0011400, OMIM 604145.
Autosomal recessive limb-girdle muscular dystrophy type 2J (LGMDR10). Also called: Limb-girdle muscular dystrophy, type 2J; MUSCULAR DYSTROPHY, LIMB-GIRDLE, AUTOSOMAL RECESSIVE 10. Identifiers: Orphanet 140922, MedGen C1837342, MONDO:0012127, OMIM 608807.

Submission:

Labcorp Genetics (formerly Invitae), Labcorp
Classification: Likely pathogenic for Dilated cardiomyopathy 1G; Autosomal recessive limb-girdle muscular dystrophy type 2J. Last evaluated: 2023-04-08. Review status: criteria provided, single submitter. Criteria: Invitae Variant Classification Sherloc (09022015). Collection method: clinical testing. Allele origin: germline.
Comment: In summary, the currently available evidence indicates that the variant is pathogenic, but additional data are needed to prove that conclusively. Therefore, this variant has been classified as Likely Pathogenic. This variant is located in the A band of TTN (PMID: 25589632). Truncating variants in this region are significantly overrepresented in patients affected with dilated cardiomyopathy (PMID: 25589632). Truncating variants in this region have also been reported in individuals affected with autosomal recessive centronuclear myopathy (PMID: 23975875). This variant has not been reported in the literature in individuals affected with TTN-related conditions. This variant is not present in population databases (gnomAD no frequency). This sequence change creates a premature translational stop signal (p.Tyr15894Phefs*6) in the TTN gene. While this is not anticipated to result in nonsense mediated decay, it is expected to create a truncated TTN protein.

Literature cited by the submitters: PubMed 25589632; PubMed 23975875.